The following is an entry in ClinVar:

ClinVar aggregate classification (germline): Pathogenic (1 of 4 stars; one submission).

Conditions:
Anauxetic dysplasia. Identifiers: Orphanet 93347, MedGen C1846796, MONDO:0011773.

Submission:

Labcorp Genetics (formerly Invitae), Labcorp
Classification: Pathogenic for Anauxetic dysplasia. Last evaluated: 2025-11-05. Review status: criteria provided, single submitter. Criteria: Invitae Variant Classification Sherloc (09022015). Collection method: clinical testing. Allele origin: germline.
Comment: This variant occurs in the RMRP gene, which encodes an RNA molecule that does not result in a protein product. This variant is present in population databases (no rsID available, gnomAD 0.007%). While this particular variant has not been reported in the literature, it is located in the promoter region between the TATA box and the transcription initiation site, and other insertions and duplications immediately upstream of the coding sequence have been reported in individuals affected with cartilage-hair hypoplasia-anauxetic dysplasia (CHH-AD) spectrum disorders (PMID: 16244706, 11207361, 12107819). While functional studies for this variant have not been reported, experimental analyses using patient derived cells, as well as in vitro transfection studies, have shown that promoter insertions result in silencing of RMRP transcription and reduced expression of the gene product (PMID: 11207361, 16254002). For these reasons, this variant has been classified as Pathogenic.

Literature cited by the submitters: PubMed 16244706; PubMed 11207361; PubMed 12107819; PubMed 16254002.

NC_000009.12:g.35658018_35658043dup

Gene: RMRP (RNA component of mitochondrial RNA processing endoribonuclease; minus strand). Cytogenetic location: 9p13.3.
Variant type: Duplication.
Genome position: GRCh38 VCF-style: chr9-35658017-C-CCACGTCCTCAGCTTCACAGAGTAGTA. GRCh37 (hg19) VCF-style: chr9-35658014-C-CCACGTCCTCAGCTTCACAGAGTAGTA.
Identifiers: ClinVar variation 2981551 (VCV002981551.3), dbSNP rs1554651379, ClinGen allele CA587570186.
Genomic context (GRCh38, chr9:35,658,017, plus strand): 5'-CGGAAAGGGGAGGAACAGAGTCCTCAGTGTGTAGCCTAGGATACAGGCCTTCAGCACGAA[C>CCACGTCCTCAGCTTCACAGAGTAGTA]CACGTCCTCAGCTTCACAGAGTAGTATTTTATAGCCCTAAAGAAATTGTGTTTTATGATT-3'